The following is an entry in ClinVar:

NM_001145073.3(USP27X):c.1186G>A (p.Asp396Asn)

Gene: USP27X (ubiquitin specific peptidase 27 X-linked; plus strand). Cytogenetic location: Xp11.23.
Variant type: single nucleotide variant.
Coding change: c.1186G>A on transcript NM_001145073.3 (MANE Select); coding-DNA position 1186, G replaced by A.
Protein change: p.Asp396Asn; replaces aspartic acid 396 with asparagine.
Molecular consequence: missense variant.
Genome position (GRCh38, 1-based): chrX:49,881,493, G>A. VCF-style: chrX-49881493-G-A. GRCh37 (hg19) VCF-style: chrX-49646096-G-A.
Other names: short protein forms D396N.
Identifiers: ClinVar variation 3342896 (VCV003342896.1).

ClinVar aggregate classification (germline): Uncertain significance (1 of 4 stars; one submission).

Submission:

GeneDx
Classification: Uncertain significance. Last evaluated: 2023-03-28. Review status: criteria provided, single submitter. Criteria: GeneDx Variant Classification Process June 2021. Collection method: clinical testing. Allele origin: germline. Affected: yes.
Comment: Not observed at significant frequency in large population cohorts (gnomAD); In silico analysis supports that this missense variant has a deleterious effect on protein structure/function; Has not been previously published as pathogenic or benign to our knowledge; Variants in candidate genes are classified as variants of uncertain significance in accordance with ACMG guidelines (Richards et al., 2015)